The following is an entry in ClinVar:

NM_000545.8(HNF1A):c.336G>A (p.Pro112=)

Gene: HNF1A (HNF1 homeobox A; plus strand). Cytogenetic location: 12q24.31.
Variant type: single nucleotide variant.
Coding change: c.336G>A on transcript NM_000545.8 (MANE Select); coding-DNA position 336, G replaced by A.
Protein change: p.Pro112=; no amino-acid change (proline 112 retained).
Molecular consequence: synonymous variant.
Genome position (GRCh38, 1-based): chr12:120,988,842, G>A. VCF-style: chr12-120988842-G-A. GRCh37 (hg19) VCF-style: chr12-121426645-G-A.
Other names: c.336G>A (NM_000545.6); c.336G>A, p.Pro112= (NM_001306179.2).
Identifiers: ClinVar variation 307459 (VCV000307459.53), dbSNP rs371365341, ClinGen allele CA6831740.

ClinVar aggregate classification (germline): Benign/Likely benign. Review status: criteria provided, multiple submitters, no conflicts (2 of 4 stars). 12 submissions from 12 submitters: Benign (4); Likely benign (7). 1 of the submissions does not count toward it. Last evaluated 2026-09-01.

Conditions:
Maturity-onset diabetes of the young type 3. Also called: MODY, type III; MODY type 3. Identifiers: Orphanet 552, MedGen C1838100, MeSH C563933, MONDO:0010894, OMIM 600496. Disease mechanism: loss of function.
HNF1A-related disorder. Also called: HNF1A-related condition.
Maturity-onset diabetes of the young (MODY). Also called: Maturity onset diabetes mellitus in young. Identifiers: Orphanet 552, MedGen C0342276, MONDO:0018911, HP:0004904.

Allele frequency attached by ClinVar (database versions not stated): gnomAD exomes 0.00029 and 0.00049; ESP Exome Variant Server 0.00031; gnomAD 0.00034 and 0.00036; TOPMed 0.00036; ExAC 0.00047.
gnomAD v4.1: 505 of 1,614,190 alleles (0.031%); highest among the groups gnomAD compares: Middle Eastern, 0.18%; no homozygotes.

Submissions (12):

CeGaT Center for Human Genetics Tuebingen
Classification: Likely benign. Last evaluated: 2026-09-01. Review status: criteria provided, single submitter. Criteria: CeGaT Center For Human Genetics Tuebingen Variant Classification Criteria Version 2. Collection method: clinical testing. Allele origin: germline. Affected: yes. Observed: 11 variant alleles.
Comment: HNF1A: BP4, BP7

Labcorp Genetics (formerly Invitae), Labcorp
Classification: Benign. Last evaluated: 2026-01-26. Review status: criteria provided, single submitter. Criteria: Invitae Variant Classification Sherloc (09022015). Collection method: clinical testing. Allele origin: germline.

Women's Health and Genetics/Laboratory Corporation of America, LabCorp
Classification: Benign. Last evaluated: 2024-12-06. Review status: criteria provided, single submitter. Criteria: LabCorp Variant Classification Summary - May 2015. Collection method: clinical testing. Allele origin: germline.

Blueprint Genetics
Classification: Likely benign. Last evaluated: 2024-11-17. Review status: criteria provided, single submitter. Criteria: ACMG Guidelines, 2015. Collection method: clinical testing. Allele origin: germline.

Athena Diagnostics
Classification: Benign. Last evaluated: 2020-09-29. Review status: criteria provided, single submitter. Criteria: Athena Diagnostics criteria. Collection method: clinical testing. Allele origin: unknown.

GeneDx
Classification: Likely benign. Last evaluated: 2019-07-22. Review status: criteria provided, single submitter. Criteria: GeneDx Variant Classification Process June 2021. Collection method: clinical testing. Allele origin: germline. Affected: yes.
Comment: This variant is associated with the following publications: (PMID: 27659712, 30708140)

Illumina Laboratory Services, Illumina
Classification: Likely benign for Maturity-onset diabetes of the young type 3. Last evaluated: 2018-01-13. Review status: criteria provided, single submitter. Criteria: ICSL Variant Classification Criteria 13 December 2019. Collection method: clinical testing. Allele origin: germline.
Comment: This variant was observed in the ICSL laboratory as part of a predisposition screen in an ostensibly healthy population. It had not been previously curated by ICSL or reported in the Human Gene Mutation Database (HGMD: prior to June 1st, 2018), and was therefore a candidate for classification through an automated scoring system. Utilizing variant allele frequency, disease prevalence and penetrance estimates, and inheritance mode, an automated score was calculated to assess if this variant is too frequent to cause the disease. Based on the score and internal cut-off values, a variant classified as likely benign is not then subjected to further curation. The score for this variant resulted in a classification of likely benign for this disease.

Ambry Genetics
Classification: Likely benign for Maturity-onset diabetes of the young. Last evaluated: 2016-04-20. Review status: criteria provided, single submitter. Criteria: Ambry Variant Classification Scheme 2023. Collection method: clinical testing. Allele origin: germline.

Genetic Services Laboratory, University of Chicago
Classification: Likely benign. Last evaluated: 2016-02-22. Review status: criteria provided, single submitter. Criteria: ACMG Guidelines, 2015. Collection method: clinical testing. Allele origin: germline. Affected: no.

Breakthrough Genomics
Classification: Likely benign. Review status: criteria provided, single submitter. Criteria: ACMG Guidelines, 2015. Collection method: not provided. Allele origin: germline. Inheritance: Autosomal dominant inheritance. Affected: yes.

Clinical Genomics, Uppaluri K&H Personalized Medicine Clinic
Classification: Benign for Maturity-onset diabetes of the young. Review status: criteria provided, single submitter. Criteria: K & H Uppaluri Personalized Medicine Clinic Variant Classification & Assertion Criteria_Updated V.1. Collection method: research. Allele origin: unknown. Inheritance: Autosomal dominant inheritance.
Comment: Mutations in HNF1A gene can predispose to MODY3. It is associated with both micro and macrovascular complications of diabetes, especially cardiovascular complications. Associated with glucosuria. May respond well to sulfonylureas. However, more evidence is required to confer the association of this particular variant rs371365341 with MODY3.

PreventionGenetics, part of Exact Sciences
Classification: Likely benign for HNF1A-related condition. Last evaluated: 2019-12-17. Review status: no assertion criteria provided. Collection method: clinical testing. Allele origin: germline. Not counted in ClinVar's aggregate classification.
Comment: This variant is classified as likely benign based on ACMG/AMP sequence variant interpretation guidelines (Richards et al. 2015 PMID: 25741868, with internal and published modifications).

Literature cited by the submitters: PubMed 17937063 (cited by Women's Health and Genetics/Laboratory Corporation of America, LabCorp and Athena Diagnostics); PubMed 32581083 (cited by Athena Diagnostics); PubMed 27659712 (cited by Athena Diagnostics); PubMed 31517624 (cited by Clinical Genomics, Uppaluri K&H Personalized Medicine Clinic); PubMed 32395877 (cited by Clinical Genomics, Uppaluri K&H Personalized Medicine Clinic); PubMed 35328643 (cited by Clinical Genomics, Uppaluri K&H Personalized Medicine Clinic).